The following is an entry in ClinVar:

ClinVar aggregate classification (germline): Uncertain significance. Review status: criteria provided, multiple submitters, no conflicts (2 of 4 stars). 2 submissions from 2 submitters: Uncertain significance (2). Last evaluated 2024-10-11.

Conditions:
Tuberous sclerosis 2 (TSC2). Identifiers: Orphanet 805, MedGen C1860707, MONDO:0013199, OMIM 613254.
Hereditary cancer-predisposing syndrome. Also called: Hereditary Cancer Syndrome; Hereditary neoplastic syndrome; Neoplastic Syndromes, Hereditary; Tumor predisposition. Identifiers: Orphanet 140162, MedGen C0027672, MeSH D009386, MONDO:0015356.

Allele frequency attached by ClinVar (database versions not stated): gnomAD exomes below 0.00001.
gnomAD v4.1: 1 of 1,612,654 alleles (0.000062%); highest among the groups gnomAD compares: South Asian, 0.0011%; no homozygotes.

Submissions (2):

Ambry Genetics
Classification: Uncertain significance for Hereditary cancer-predisposing syndrome. Last evaluated: 2024-10-11. Review status: criteria provided, single submitter. Criteria: Ambry Variant Classification Scheme 2023. Collection method: clinical testing. Allele origin: germline.
Comment: The p.Q1752R variant (also known as c.5255A>G), located in coding exon 40 of the TSC2 gene, results from an A to G substitution at nucleotide position 5255. The glutamine at codon 1752 is replaced by arginine, an amino acid with highly similar properties. This amino acid position is conserved. In addition, the in silico prediction for this alteration is inconclusive. Based on the available evidence, the clinical significance of this variant remains unclear.

Labcorp Genetics (formerly Invitae), Labcorp
Classification: Uncertain significance for Tuberous sclerosis 2. Last evaluated: 2023-04-22. Review status: criteria provided, single submitter. Criteria: Invitae Variant Classification Sherloc (09022015). Collection method: clinical testing. Allele origin: germline.
Comment: In summary, the available evidence is currently insufficient to determine the role of this variant in disease. Therefore, it has been classified as a Variant of Uncertain Significance. Advanced modeling of protein sequence and biophysical properties (such as structural, functional, and spatial information, amino acid conservation, physicochemical variation, residue mobility, and thermodynamic stability) performed at Invitae indicates that this missense variant is not expected to disrupt TSC2 protein function. This variant has not been reported in the literature in individuals affected with TSC2-related conditions. This variant is not present in population databases (gnomAD no frequency). This sequence change replaces glutamine, which is neutral and polar, with arginine, which is basic and polar, at codon 1752 of the TSC2 protein (p.Gln1752Arg).

NM_000548.5(TSC2):c.5255A>G (p.Gln1752Arg)

Gene: TSC2 (TSC complex subunit 2; plus strand). Cytogenetic location: 16p13.3.
Variant type: single nucleotide variant.
Coding change: c.5255A>G on transcript NM_000548.5 (MANE Select); coding-DNA position 5255, A replaced by G.
Protein change: p.Gln1752Arg; replaces glutamine 1752 with arginine.
Molecular consequence: missense variant. On other transcripts: non-coding transcript variant (5).
Genome position (GRCh38, 1-based): chr16:2,088,321, A>G. VCF-style: chr16-2088321-A-G. GRCh37 (hg19) VCF-style: chr16-2138322-A-G.
Other names: c.5054A>G, p.Gln1685Arg (NM_001077183.3); c.5186A>G, p.Gln1729Arg (NM_001114382.3); c.4946A>G, p.Gln1649Arg (NM_001318827.2); c.4910A>G, p.Gln1637Arg (NM_001318829.2); c.4523A>G, p.Gln1508Arg (NM_001318831.2); c.5087A>G, p.Gln1696Arg (NM_001318832.2); c.5057A>G, p.Gln1686Arg (NM_001363528.2); c.5123A>G, p.Gln1708Arg (NM_001370404.1); and 27 more; short protein forms Q1151R, Q1238R, Q1261R, Q1486R, Q1552R, Q1679R, Q1682R, Q1692R.
Identifiers: ClinVar variation 2858176 (VCV002858176.4), dbSNP rs2151632821, ClinGen allele CA394314795.
Genomic context (GRCh38, chr16:2,088,321, plus strand): 5'-CCACCGATATCTACCCCTCCAAGTGGATTGCCCGGCTCCGCCACATCAAGCGGCTCCGCC[A>G]GCGGGTAGGGAATATGGGGCTCCCTCAGCGGGGTGTGCTGGCTGCCCAAGCTGTGGGGCG-3'
Protein context (NP_000539.2, residues 1742-1762): ARLRHIKRLR[Gln1752Arg]RICEEAAYSN